The following is an entry in ClinVar:

ClinVar aggregate classification (germline): Likely benign. Review status: criteria provided, multiple submitters, no conflicts (2 of 4 stars). 2 submissions from 2 submitters: Likely benign (2). Last evaluated 2018-06-19.

Allele frequency attached by ClinVar (database versions not stated): gnomAD exomes 0.00088; 1000 Genomes Project 0.00839; gnomAD 0.00850 and 0.00923; 1000 Genomes Project 30x 0.00890; TOPMed 0.01025.
gnomAD v4.1: 2,128 of 1,078,380 alleles (0.2%); highest among the groups gnomAD compares: African/African-American, 3%; 35 homozygotes.

Submissions (2):

GeneDx
Classification: Likely benign. Last evaluated: 2018-06-19. Review status: criteria provided, single submitter. Criteria: GeneDx Variant Classification (06012015). Collection method: clinical testing. Allele origin: germline. Affected: yes.
Comment: This variant is considered likely benign or benign based on one or more of the following criteria: it is a conservative change, it occurs at a poorly conserved position in the protein, it is predicted to be benign by multiple in silico algorithms, and/or has population frequency not consistent with disease.

Breakthrough Genomics
Classification: Likely benign. Review status: criteria provided, single submitter. Criteria: ACMG Guidelines, 2015. Collection method: not provided. Allele origin: germline. Inheritance: Autosomal dominant inheritance. Affected: yes.

NM_007373.4(SHOC2):c.704-79T>A

Gene: SHOC2 (SHOC2 leucine rich repeat scaffold protein; plus strand). Cytogenetic location: 10q25.2.
Variant type: single nucleotide variant.
Coding change: c.704-79T>A on transcript NM_007373.4 (MANE Select); 79 bases into the intron before coding-DNA position 704, T replaced by A.
Molecular consequence: intron variant.
Genome position (GRCh38, 1-based): chr10:110,985,549, T>A. VCF-style: chr10-110985549-T-A. GRCh37 (hg19) VCF-style: chr10-112745307-T-A.
Other names: c.704-79T>A (NM_001324336.2, NM_001324337.2); c.704-14866T>A (NM_001269039.3).
Identifiers: ClinVar variation 561456 (VCV000561456.2), dbSNP rs74156321, ClinGen allele CA213265743.